The following is an entry in ClinVar:

NM_001126108.2(SLC12A3):c.602-3T>G

Gene: SLC12A3 (solute carrier family 12 member 3; plus strand). Cytogenetic location: 16q13.
Variant type: single nucleotide variant.
Coding change: c.602-3T>G on transcript NM_001126108.2 (MANE Select); 3 bases into the intron before coding-DNA position 602, T replaced by G.
Molecular consequence: intron variant.
Genome position (GRCh38, 1-based): chr16:56,870,093, T>G. VCF-style: chr16-56870093-T-G. GRCh37 (hg19) VCF-style: chr16-56904005-T-G.
Other names: c.602-3T>G (NM_000339.3); c.599-3T>G (NM_001126107.2, NM_001410896.1).
Identifiers: ClinVar variation 5019368 (VCV005019368.2).

ClinVar aggregate classification (germline): Uncertain significance (1 of 4 stars; one submission).

Conditions:
Familial hypokalemia-hypomagnesemia (GTLMNS). Also called: HYPOMAGNESEMIA-HYPOKALEMIA, PRIMARY RENOTUBULAR, WITH HYPOCALCIURIA; POTASSIUM AND MAGNESIUM DEPLETION; gitelman syndrome. Identifiers: Orphanet 358, MedGen C0268450, MONDO:0009904, OMIM 263800.

Submission:

Juno Genomics, Hangzhou Juno Genomics, Inc
Classification: Uncertain significance for Familial hypokalemia-hypomagnesemia. Review status: criteria provided, single submitter. Criteria: ACMG Guidelines, 2015. Collection method: clinical testing. Allele origin: germline.
Comment: Absent from controls (or at extremely low frequency if recessive) in Genome Aggregation Database.;Multiple lines of computational evidence support a deleterious effect on the gene or gene product.;For recessive disorders, detected in trans with a pathogenic variant.;Patient's phenotype or family history is highly specific for a disease with a single genetic etiology.